The following is an entry in ClinVar:

NM_016247.4(IMPG2):c.3239G>C (p.Arg1080Pro)

Gene: IMPG2 (interphotoreceptor matrix proteoglycan 2; minus strand). Cytogenetic location: 3q12.3.
Variant type: single nucleotide variant.
Coding change: c.3239G>C on transcript NM_016247.4 (MANE Select); coding-DNA position 3239, G replaced by C.
Protein change: p.Arg1080Pro; replaces arginine 1080 with proline.
Molecular consequence: missense variant.
Genome position (GRCh38, 1-based): chr3:101,231,140, C>G on the plus strand (G>C on the coding strand, the complement: IMPG2 is on the minus strand). VCF-style: chr3-101231140-C-G. GRCh37 (hg19) VCF-style: chr3-100949984-C-G.
Other names: short protein forms R1080P.
Identifiers: ClinVar variation 962338 (VCV000962338.7), dbSNP rs777459431, ClinGen allele CA353849268.

ClinVar aggregate classification (germline): Uncertain significance (1 of 4 stars; one submission).

Allele frequency attached by ClinVar (database versions not stated): TOPMed 0.00002.

Submission:

Labcorp Genetics (formerly Invitae), Labcorp
Classification: Uncertain significance. Last evaluated: 2019-09-10. Review status: criteria provided, single submitter. Criteria: Invitae Variant Classification Sherloc (09022015). Collection method: clinical testing. Allele origin: germline.
Comment: In summary, the available evidence is currently insufficient to determine the role of this variant in disease. Therefore, it has been classified as a Variant of Uncertain Significance. Algorithms developed to predict the effect of missense changes on protein structure and function (SIFT, PolyPhen-2, Align-GVGD) all suggest that this variant is likely to be disruptive, but these predictions have not been confirmed by published functional studies and their clinical significance is uncertain. This variant has not been reported in the literature in individuals with IMPG2-related conditions. This variant is not present in population databases (ExAC no frequency). This sequence change replaces arginine with proline at codon 1080 of the IMPG2 protein (p.Arg1080Pro). The arginine residue is highly conserved and there is a moderate physicochemical difference between arginine and proline.